The following is an entry in ClinVar:

NM_001673.5(ASNS):c.419A>G (p.Tyr140Cys)

Genes: ASNS (asparagine synthetase (glutamine-hydrolyzing); minus strand), CZ1P-ASNS (CZ1P-ASNS readthrough; minus strand). Cytogenetic location: 7q21.3.
Variant type: single nucleotide variant.
Coding change: c.419A>G on transcript NM_001673.5 (MANE Select); coding-DNA position 419, A replaced by G.
Protein change: p.Tyr140Cys; replaces tyrosine 140 with cysteine.
Molecular consequence: missense variant. On other transcripts: non-coding transcript variant (1).
Genome position (GRCh38, 1-based): chr7:97,864,327, T>C on the plus strand (A>G on the coding strand, the complement: ASNS is on the minus strand). VCF-style: chr7-97864327-T-C. GRCh37 (hg19) VCF-style: chr7-97493639-T-C.
Other names: c.356A>G, p.Tyr119Cys (NM_001178075.2); c.170A>G, p.Tyr57Cys (NM_001178076.2, NM_001178077.1); c.419A>G, p.Tyr140Cys (NM_001352496.2, NM_133436.3, NM_183356.4); short protein forms Y57C, Y119C, Y140C.
Identifiers: ClinVar variation 2133247 (VCV002133247.4), dbSNP rs2484682077, ClinGen allele CA368271230.

ClinVar aggregate classification (germline): Uncertain significance (1 of 4 stars; one submission).

Submission:

Labcorp Genetics (formerly Invitae), Labcorp
Classification: Uncertain significance. Last evaluated: 2022-10-12. Review status: criteria provided, single submitter. Criteria: Invitae Variant Classification Sherloc (09022015). Collection method: clinical testing. Allele origin: germline.
Comment: In summary, the available evidence is currently insufficient to determine the role of this variant in disease. Therefore, it has been classified as a Variant of Uncertain Significance. Algorithms developed to predict the effect of missense changes on protein structure and function (SIFT, PolyPhen-2, Align-GVGD) all suggest that this variant is likely to be disruptive. This variant has not been reported in the literature in individuals affected with ASNS-related conditions. This variant is not present in population databases (gnomAD no frequency). This sequence change replaces tyrosine, which is neutral and polar, with cysteine, which is neutral and slightly polar, at codon 140 of the ASNS protein (p.Tyr140Cys).